The following is an entry in ClinVar:

NM_000377.3(WAS):c.1271del (p.Gly424fs)

Gene: WAS (WASP actin nucleation promoting factor; plus strand). Cytogenetic location: Xp11.23.
Variant type: Deletion.
Coding change: c.1271del on transcript NM_000377.3 (MANE Select); coding-DNA position 1271, one base deleted (G; older notation c.1271delG).
Protein change: p.Gly424fs; shifts the reading frame from glycine 424.
Molecular consequence: frameshift variant.
Genome position (GRCh38, 1-based): chrX:48,688,999, G deleted; the last of 5 consecutive G bases (chrX:48,688,995-48,688,999); deleting any one gives the same sequence. VCF-style (leftmost placement, unchanged base first): chrX-48688994-CG-C. GRCh37 (hg19) VCF-style: chrX-48547383-CG-C.
Other names: short protein forms G424fs.
Identifiers: ClinVar variation 2138571 (VCV002138571.4), dbSNP rs1557007312, ClinGen allele CA2579600726.

ClinVar aggregate classification (germline): Pathogenic (1 of 4 stars; one submission).

Conditions:
Thrombocytopenia 1. Also called: THROMBOCYTOPENIA, X-LINKED, 1; X-linked thrombocytopenia with normal platelets; X-Linked Thrombocytopenia (XLT). Identifiers: Orphanet 268322, Orphanet 852, MedGen C1839163, MONDO:0010743, OMIM 313900.
Wiskott-Aldrich syndrome (WAS). Also called: Wiskott-aldrich syndrome, somatic; ALDRICH SYNDROME; IMMUNODEFICIENCY 2; WISKOTT-ALDRICH SYNDROME 1. Identifiers: Orphanet 906, MedGen C0043194, MONDO:0010518, OMIM 301000.
X-linked severe congenital neutropenia (SCNX). Identifiers: Orphanet 86788, MedGen C1845987, MONDO:0010294, OMIM 300299.

Submission:

Labcorp Genetics (formerly Invitae), Labcorp
Classification: Pathogenic for Wiskott-Aldrich syndrome; X-linked severe congenital neutropenia; Thrombocytopenia 1. Last evaluated: 2025-04-14. Review status: criteria provided, single submitter. Criteria: Invitae Variant Classification Sherloc (09022015). Collection method: clinical testing. Allele origin: germline.
Comment: This sequence change creates a premature translational stop signal (p.Gly424Alafs*21) in the WAS gene. It is expected to result in an absent or disrupted protein product. Loss-of-function variants in WAS are known to be pathogenic (PMID: 15284122). This variant is not present in population databases (gnomAD no frequency). This premature translational stop signal has been observed in individual(s) with Wiskott-Aldrich syndrome (PMID: 7753869). This variant is also known as 1305del in exon 10. ClinVar contains an entry for this variant (Variation ID: 2138571). For these reasons, this variant has been classified as Pathogenic.

Literature cited by the submitters: PubMed 15284122; PubMed 7753869.